The following is an entry in ClinVar:

ClinVar aggregate classification (germline): Likely benign (0 of 4 stars; one submission).

Conditions:
NBEA-related disorder. Also called: NBEA-related condition.

Allele frequency attached by ClinVar (database versions not stated): ExAC 0.00001; TOPMed 0.00003; gnomAD 0.00005.
gnomAD v4.1: 130 of 1,599,358 alleles (0.0081%); highest among the groups gnomAD compares: Non-Finnish European, 0.011%; no homozygotes.

Submission:

PreventionGenetics, part of Exact Sciences
Classification: Likely benign for NBEA-related condition. Last evaluated: 2023-02-27. Review status: no assertion criteria provided. Collection method: clinical testing. Allele origin: germline.
Comment: This variant is classified as likely benign based on ACMG/AMP sequence variant interpretation guidelines (Richards et al. 2015 PMID: 25741868, with internal and published modifications).

NM_001385012.1(NBEA):c.141G>C (p.Gly47=)

Gene: NBEA (neurobeachin; plus strand). Cytogenetic location: 13q13.3.
Variant type: single nucleotide variant.
Coding change: c.141G>C on transcript NM_001385012.1 (MANE Select); coding-DNA position 141, G replaced by C.
Protein change: p.Gly47=; no amino-acid change (glycine 47 retained).
Molecular consequence: synonymous variant.
Genome position (GRCh38, 1-based): chr13:34,942,961, G>C. VCF-style: chr13-34942961-G-C. GRCh37 (hg19) VCF-style: chr13-35517098-G-C.
Other names: c.141G>C, p.Gly47= (NM_001379245.1, NM_015678.5).
Identifiers: ClinVar variation 3030118 (VCV003030118.2), dbSNP rs756655898, ClinGen allele CA6946003.